The following is an entry in ClinVar:

NM_020207.7(ERCC6L2):c.3570_3574dup (p.Pro1192fs)

Gene: ERCC6L2 (ERCC excision repair 6 like 2; plus strand). Cytogenetic location: 9q22.32.
Variant type: Duplication.
Coding change: c.3570_3574dup on transcript NM_020207.7 (MANE Select); coding-DNA positions 3570 to 3574, 5 bases duplicated (ACTTC; older notation c.3570_3574dupACTTC).
Protein change: p.Pro1192fs; shifts the reading frame from proline 1192.
Molecular consequence: frameshift variant. On other transcripts: non-coding transcript variant (1).
Genome position (GRCh38, 1-based): chr9:96,004,597-96,004,601, ACTTC duplicated; duplicating any 5 consecutive bases within chr9:96,004,594-96,004,601 gives the same sequence; the c. name uses the placement nearest the transcript's 3' end. VCF-style (leftmost placement, unchanged base first): chr9-96004593-T-TTTCAC. GRCh37 (hg19) VCF-style: chr9-98766875-T-TTTCAC.
Other names: c.3570_3574dup, p.Pro1192fs (NM_001375291.1, NM_001375292.1); short protein forms P1192fs.
Identifiers: ClinVar variation 1427739 (VCV001427739.8), dbSNP rs2133203419, ClinGen allele CA2573144796.

ClinVar aggregate classification (germline): Pathogenic (1 of 4 stars; one submission).

Submission:

Labcorp Genetics (formerly Invitae), Labcorp
Classification: Pathogenic. Last evaluated: 2022-08-23. Review status: criteria provided, single submitter. Criteria: Invitae Variant Classification Sherloc (09022015). Collection method: clinical testing. Allele origin: germline.
Comment: ClinVar contains an entry for this variant (Variation ID: 1427739). For these reasons, this variant has been classified as Pathogenic. This variant disrupts a region of the ERCC6L2 protein in which other variant(s) (p.Arg1266*) have been determined to be pathogenic (PMID: 29146883, 29987015). This suggests that this is a clinically significant region of the protein, and that variants that disrupt it are likely to be disease-causing. This variant has not been reported in the literature in individuals affected with ERCC6L2-related conditions. This variant is not present in population databases (gnomAD no frequency). This sequence change creates a premature translational stop signal (p.Pro1203Hisfs*10) in the ERCC6L2 gene. While this is not anticipated to result in nonsense mediated decay, it is expected to disrupt the last 359 amino acid(s) of the ERCC6L2 protein.

Literature cited by the submitters: PubMed 29146883; PubMed 29987015.